The following is an entry in ClinVar:

NM_000038.6(APC):c.2938A>G (p.Lys980Glu)

Gene: APC (APC regulator of Wnt signaling pathway; plus strand). Cytogenetic location: 5q22.2.
Variant type: single nucleotide variant.
Coding change: c.2938A>G on transcript NM_000038.6 (MANE Select); coding-DNA position 2938, A replaced by G.
Protein change: p.Lys980Glu; replaces lysine 980 with glutamic acid.
Molecular consequence: missense variant.
Genome position (GRCh38, 1-based): chr5:112,838,532, A>G. VCF-style: chr5-112838532-A-G. GRCh37 (hg19) VCF-style: chr5-112174229-A-G.
Other names: c.2938A>G, p.Lys980Glu (NM_001127510.3, NM_001354895.2); c.2884A>G, p.Lys962Glu (NM_001127511.3); c.2992A>G, p.Lys998Glu (NM_001354896.2); c.2968A>G, p.Lys990Glu (NM_001354897.2); c.2863A>G, p.Lys955Glu (NM_001354898.2); c.2854A>G, p.Lys952Glu (NM_001354899.2); c.2815A>G, p.Lys939Glu (NM_001354900.2); c.2761A>G, p.Lys921Glu (NM_001354901.2); and 5 more; short protein forms K879E, K939E, K998E, K697E, K889E, K921E, K955E, K990E.
Identifiers: ClinVar variation 1477616 (VCV001477616.10), dbSNP rs1554084592, ClinGen allele CA16027751.

ClinVar aggregate classification (germline): Uncertain significance. Review status: criteria provided, multiple submitters, no conflicts (2 of 4 stars). 2 submissions from 2 submitters: Uncertain significance (2). Last evaluated 2021-08-17.

Conditions:
Hereditary cancer-predisposing syndrome. Also called: Neoplastic Syndromes, Hereditary; Hereditary Cancer Syndrome; Tumor predisposition; Hereditary neoplastic syndrome. Identifiers: Orphanet 140162, MedGen C0027672, MeSH D009386, MONDO:0015356.
Familial adenomatous polyposis 1 (FAP1). Also called: FAMILIAL ADENOMATOUS POLYPOSIS 1, ATTENUATED; POLYPOSIS, ADENOMATOUS INTESTINAL. Identifiers: MedGen C2713442, MONDO:0021056, OMIM 175100. Disease mechanism: loss of function.

Submissions (2):

Ambry Genetics
Classification: Uncertain significance for Hereditary cancer-predisposing syndrome. Last evaluated: 2021-08-17. Review status: criteria provided, single submitter. Criteria: Ambry Variant Classification Scheme 2023. Collection method: clinical testing. Allele origin: germline.
Comment: The p.K980E variant (also known as c.2938A>G), located in coding exon 15 of the APC gene, results from an A to G substitution at nucleotide position 2938. The lysine at codon 980 is replaced by glutamic acid, an amino acid with similar properties. This amino acid position is highly conserved in available vertebrate species. In addition, in silico predictors for this gene do not accurately predict pathogenicity. Since supporting evidence is limited at this time, the clinical significance of this alteration remains unclear.

Labcorp Genetics (formerly Invitae), Labcorp
Classification: Uncertain significance for Familial adenomatous polyposis 1. Last evaluated: 2021-03-29. Review status: criteria provided, single submitter. Criteria: Invitae Variant Classification Sherloc (09022015). Collection method: clinical testing. Allele origin: germline.
Comment: Algorithms developed to predict the effect of missense changes on protein structure and function are either unavailable or do not agree on the potential impact of this missense change (SIFT: "Deleterious"; PolyPhen-2: "Probably Damaging"; Align-GVGD: "Class C0"). In summary, the available evidence is currently insufficient to determine the role of this variant in disease. Therefore, it has been classified as a Variant of Uncertain Significance. This sequence change replaces lysine with glutamic acid at codon 980 of the APC protein (p.Lys980Glu). The lysine residue is highly conserved and there is a small physicochemical difference between lysine and glutamic acid. This variant is not present in population databases (ExAC no frequency). This variant has not been reported in the literature in individuals with APC-related conditions.